The following is an entry in ClinVar:

NM_001009999.3(KDM1A):c.1169A>G (p.Asp390Gly)

Gene: KDM1A (lysine demethylase 1A; plus strand). Cytogenetic location: 1p36.12.
Variant type: single nucleotide variant.
Coding change: c.1169A>G on transcript NM_001009999.3 (MANE Select); coding-DNA position 1169, A replaced by G.
Protein change: p.Asp390Gly; replaces aspartic acid 390 with glycine.
Molecular consequence: missense variant. On other transcripts: intron variant (2).
Genome position (GRCh38, 1-based): chr1:23,066,061, A>G. VCF-style: chr1-23066061-A-G. GRCh37 (hg19) VCF-style: chr1-23392554-A-G.
Other names: c.1108-2478A>G (NM_001363654.2, NM_015013.4); short protein forms D390G.
Identifiers: ClinVar variation 2108714 (VCV002108714.4), dbSNP rs2522759381, ClinGen allele CA338964433.

ClinVar aggregate classification (germline): Uncertain significance (1 of 4 stars; one submission).

Submission:

Labcorp Genetics (formerly Invitae), Labcorp
Classification: Uncertain significance. Last evaluated: 2024-02-23. Review status: criteria provided, single submitter. Criteria: Invitae Variant Classification Sherloc (09022015). Collection method: clinical testing. Allele origin: germline.
Comment: This sequence change replaces aspartic acid, which is acidic and polar, with glycine, which is neutral and non-polar, at codon 390 of the KDM1A protein (p.Asp390Gly). This variant is not present in population databases (gnomAD no frequency). This variant has not been reported in the literature in individuals affected with KDM1A-related conditions. ClinVar contains an entry for this variant (Variation ID: 2108714). An algorithm developed to predict the effect of missense changes on protein structure and function (PolyPhen-2) suggests that this variant is likely to be tolerated. In summary, the available evidence is currently insufficient to determine the role of this variant in disease. Therefore, it has been classified as a Variant of Uncertain Significance.